The following is an entry in ClinVar:

NM_006206.6(PDGFRA):c.2879A>G (p.Lys960Arg)

Gene: PDGFRA (platelet derived growth factor receptor alpha; plus strand). Cytogenetic location: 4q12.
Variant type: single nucleotide variant.
Coding change: c.2879A>G on transcript NM_006206.6 (MANE Select); coding-DNA position 2879, A replaced by G.
Protein change: p.Lys960Arg; replaces lysine 960 with arginine.
Molecular consequence: missense variant.
Genome position (GRCh38, 1-based): chr4:54,289,113, A>G. VCF-style: chr4-54289113-A-G. GRCh37 (hg19) VCF-style: chr4-55155280-A-G.
Other names: c.2954A>G, p.Lys985Arg (NM_001347828.2); c.2879A>G, p.Lys960Arg (NM_001347829.2); c.2918A>G, p.Lys973Arg (NM_001347830.2); short protein forms K985R, K960R, K973R.
Identifiers: ClinVar variation 3416399 (VCV003416399.3).

ClinVar aggregate classification (germline): Uncertain significance. Review status: criteria provided, multiple submitters, no conflicts (2 of 4 stars). 2 submissions from 2 submitters: Uncertain significance (2). Last evaluated 2024-08-19.

Conditions:
Gastrointestinal stromal tumor. Also called: Gastrointestinal stromal tumor, somatic; Gastrointestinal stroma tumor. Identifiers: Orphanet 44890, MedGen C0238198, MeSH D046152, MONDO:0011719, OMIM 606764, HP:0100723.
Hereditary cancer-predisposing syndrome. Also called: Neoplastic Syndromes, Hereditary; Tumor predisposition; Hereditary Cancer Syndrome; Hereditary neoplastic syndrome. Identifiers: Orphanet 140162, MedGen C0027672, MeSH D009386, MONDO:0015356.

gnomAD v4.1: 1 of 1,553,418 alleles (0.000064%); no homozygotes.

Submissions (2):

Ambry Genetics
Classification: Uncertain significance for Hereditary cancer-predisposing syndrome. Last evaluated: 2024-08-19. Review status: criteria provided, single submitter. Criteria: Ambry Variant Classification Scheme 2023. Collection method: clinical testing. Allele origin: germline.
Comment: The p.K960R variant (also known as c.2879A>G), located in coding exon 20 of the PDGFRA gene, results from an A to G substitution at nucleotide position 2879. The lysine at codon 960 is replaced by arginine, an amino acid with highly similar properties. This amino acid position is conserved. In addition, this alteration is predicted to be tolerated by in silico analysis. Based on the available evidence, the clinical significance of this variant remains unclear.

Labcorp Genetics (formerly Invitae), Labcorp
Classification: Uncertain significance for Gastrointestinal stromal tumor. Last evaluated: 2024-04-27. Review status: criteria provided, single submitter. Criteria: Invitae Variant Classification Sherloc (09022015). Collection method: clinical testing. Allele origin: germline.
Comment: This sequence change replaces lysine, which is basic and polar, with arginine, which is basic and polar, at codon 960 of the PDGFRA protein (p.Lys960Arg). This variant is not present in population databases (gnomAD no frequency). This variant has not been reported in the literature in individuals affected with PDGFRA-related conditions. An algorithm developed to predict the effect of missense changes on protein structure and function (PolyPhen-2) suggests that this variant is likely to be tolerated. In summary, the available evidence is currently insufficient to determine the role of this variant in disease. Therefore, it has been classified as a Variant of Uncertain Significance.